The following is an entry in ClinVar:

ClinVar aggregate classification (germline): Uncertain significance (1 of 4 stars; one submission).

Conditions:
Hernia, anterior diaphragmatic (DIH5). Identifiers: Orphanet 2140, MedGen C1844025, MONDO:0010606, OMIM 306950.

Submission:

SIB Swiss Institute of Bioinformatics
Classification: Uncertain significance for Hernia, anterior diaphragmatic. Last evaluated: 2024-03-03. Review status: criteria provided, single submitter. Criteria: ACMG Guidelines, 2015. Collection method: curation. Allele origin: unknown. Affected: yes.
Comment: This variant is interpreted for Diaphragmatic hernia 5, X-linked. The following ACMG Tag(s) were applied: Absent from controls (or at extremely low frequency if recessive) in gnomAD (PM2). Multiple lines of computational evidence support a deleterious effect on the gene or gene product (PP3).

Literature cited by the submitters: PubMed 37751738.

NM_005032.7(PLS3):c.1090A>G (p.Lys364Glu)

Gene: PLS3 (plastin 3; plus strand). Cytogenetic location: Xq23.
Variant type: single nucleotide variant.
Coding change: c.1090A>G on transcript NM_005032.7 (MANE Select); coding-DNA position 1090, A replaced by G.
Protein change: p.Lys364Glu; replaces lysine 364 with glutamic acid.
Molecular consequence: missense variant.
Genome position (GRCh38, 1-based): chrX:115,643,415, A>G. VCF-style: chrX-115643415-A-G. GRCh37 (hg19) VCF-style: chrX-114877727-A-G.
Other names: c.1090A>G, p.Lys364Glu (NM_001136025.5); c.1009A>G, p.Lys337Glu (NM_001172335.3); c.1051A>G, p.Lys351Glu (NM_001282337.2); c.955A>G, p.Lys319Glu (NM_001282338.2); short protein forms K319E, K337E, K351E, K364E.
Identifiers: ClinVar variation 3062002 (VCV003062002.1), dbSNP rs2521521587, ClinGen allele CA414335152.